The following is an entry in ClinVar:

ClinVar aggregate classification (germline): Uncertain significance (1 of 4 stars; one submission).

Conditions:
Combined immunodeficiency due to LRBA deficiency. Also called: Common variable immunodeficiency 8, with autoimmunity. Identifiers: Orphanet 445018, MedGen C3553512, MONDO:0013863, OMIM 614700.

Allele frequency attached by ClinVar (database versions not stated): gnomAD exomes below 0.00001; gnomAD 0.00001.
gnomAD v4.1: 3 of 1,613,124 alleles (0.00019%); highest among the groups gnomAD compares: Non-Finnish European, 0.00025%; no homozygotes.

Submission:

Labcorp Genetics (formerly Invitae), Labcorp
Classification: Uncertain significance for Combined immunodeficiency due to LRBA deficiency. Last evaluated: 2022-04-24. Review status: criteria provided, single submitter. Criteria: Invitae Variant Classification Sherloc (09022015). Collection method: clinical testing. Allele origin: germline.
Comment: This sequence change replaces aspartic acid, which is acidic and polar, with valine, which is neutral and non-polar, at codon 1890 of the LRBA protein (p.Asp1890Val). This variant is present in population databases (no rsID available, gnomAD 0.007%). This variant has not been reported in the literature in individuals affected with LRBA-related conditions. Algorithms developed to predict the effect of missense changes on protein structure and function are either unavailable or do not agree on the potential impact of this missense change (SIFT: "Deleterious"; PolyPhen-2: "Possibly Damaging"; Align-GVGD: "Class C0"). In summary, the available evidence is currently insufficient to determine the role of this variant in disease. Therefore, it has been classified as a Variant of Uncertain Significance.

NM_001364905.1(LRBA):c.5669A>T (p.Asp1890Val)

Gene: LRBA (LPS responsive beige-like anchor protein; minus strand). Cytogenetic location: 4q31.3.
Variant type: single nucleotide variant.
Coding change: c.5669A>T on transcript NM_001364905.1 (MANE Select); coding-DNA position 5669, A replaced by T.
Protein change: p.Asp1890Val; replaces aspartic acid 1890 with valine.
Molecular consequence: missense variant.
Genome position (GRCh38, 1-based): chr4:150,735,343, T>A on the plus strand (A>T on the coding strand, the complement: LRBA is on the minus strand). VCF-style: chr4-150735343-T-A. GRCh37 (hg19) VCF-style: chr4-151656495-T-A.
Other names: c.5669A>T, p.Asp1890Val (NM_001199282.3, NM_001367550.1, NM_006726.5); short protein forms D1890V.
Identifiers: ClinVar variation 2087615 (VCV002087615.1), dbSNP rs1366238149, ClinGen allele CA358607790.